The following is an entry in ClinVar:

NC_000018.9:g.(?_19383858)_(19780786_?)dup

Genes: GATA6 (GATA binding protein 6; plus strand), MIB1 (MIB E3 ubiquitin protein ligase 1; plus strand), MIR1-2 (microRNA 1-2; minus strand), MIR133A1 (microRNA 133a-1; minus strand). Cytogenetic location: 18q11.2.
Variant type: Duplication.
Identifiers: ClinVar variation 2425331 (VCV002425331.3).

ClinVar aggregate classification (germline): Uncertain significance (1 of 4 stars; one submission).

Conditions:
Atrioventricular septal defect 5 (AVSD5). Identifiers: MedGen C3280939, MONDO:0013769, OMIM 614474.

Submission:

Labcorp Genetics (formerly Invitae), Labcorp
Classification: Uncertain significance for Atrioventricular septal defect 5. Last evaluated: 2022-06-08. Review status: criteria provided, single submitter. Criteria: Invitae Variant Classification Sherloc (09022015). Collection method: clinical testing. Allele origin: germline.
Comment: A copy number gain of the genomic region encompassing the full coding sequence of the GATA6 gene has been identified. The boundaries of this event are unknown as they extend beyond the assayed region for this gene and therefore may encompass additional genes. As the precise location of this event is unknown, it may be in tandem or it may be located elsewhere in the genome. A similar copy number variant has been observed in individual(s) with truncus arteriosus (PMID: 22318994). In summary, the available evidence is currently insufficient to determine the role of this variant in disease. Therefore, it has been classified as a Variant of Uncertain Significance.

Literature cited by the submitters: PubMed 22318994.